The following is an entry in ClinVar:

NM_000194.3(HPRT1):c.566T>C (p.Val189Ala)

Gene: HPRT1 (hypoxanthine phosphoribosyltransferase 1; plus strand). Cytogenetic location: Xq26.2.
Variant type: single nucleotide variant.
Coding change: c.566T>C on transcript NM_000194.3 (MANE Select); coding-DNA position 566, T replaced by C.
Protein change: p.Val189Ala; replaces valine 189 with alanine.
Molecular consequence: missense variant.
Genome position (GRCh38, 1-based): chrX:134,498,641, T>C. VCF-style: chrX-134498641-T-C. GRCh37 (hg19) VCF-style: chrX-133632671-T-C.
Other names: short protein forms V189A.
Identifiers: ClinVar variation 429604 (VCV000429604.2), dbSNP rs1131691486, ClinGen allele CA414715851.
Genomic context (GRCh38, chrX:134,498,641, plus strand): 5'-TAAATGATGAATTATGATTCTTTTTAGTTGTTGGATTTGAAATTCCAGACAAGTTTGTTG[T>C]AGGATATGCCCTTGACTATAATGAATACTTCAGGGATTTGAATGTAAGTAATTGCTTCTT-3'
Protein context (NP_000185.1, residues 179-199): VGFEIPDKFV[Val189Ala]GYALDYNEYF

ClinVar aggregate classification (germline): Likely pathogenic (1 of 4 stars; one submission).

Submission:

GeneDx
Classification: Likely pathogenic. Last evaluated: 2015-09-15. Review status: criteria provided, single submitter. Criteria: GeneDx Variant Classification (06012015). Collection method: clinical testing. Allele origin: germline. Affected: yes.
Comment: The V189A variant in the HPRT1 gene has not been published previously as a pathogenic variant nor as a benign variant, to our knowledge. The V189A variant was not observed in approximately 6,500 individuals of European and African American ancestry in the NHLBI Exome Sequencing Project, indicating it is not a common benign variant in these populations. The V189A variant is a conservative amino acid substitution, which occurs at a position that is conserved across species. In silico analysis predicts this variant is probably damaging to the protein structure/function. Missense variants at the same residue (V189L) and at nearby residues (V188A, L186N, G190R, G190E, among others) have been reported in the Human Gene Mutation Database in association with Lesch-Nyhan syndrome, hypoxanthine guanine phosphoribosyltransferase deficiency, and hyperuricemia (Stenson et al., 2014), supporting the functional importance of this region of the protein. The V189A variant is a strong candidate for a pathogenic variant, however the possibility it may be a rare benign variant cannot be excluded.